The following is an entry in ClinVar:

ClinVar aggregate classification (germline): Uncertain significance (1 of 4 stars; one submission).

Conditions:
Holoprosencephaly 9 (HPE9). Also called: HOLOPROSENCEPHALY WITH MICROPHTHALMIA AND FIRST BRANCHIAL ARCH ANOMALIES; PITUITARY ANOMALIES WITH HOLOPROSENCEPHALY-LIKE FEATURES. Identifiers: Orphanet 2162, MedGen C1835819, MONDO:0012563, OMIM 610829.
Postaxial polydactyly-anterior pituitary anomalies-facial dysmorphism syndrome. Also called: Culler-Jones syndrome. Identifiers: Orphanet 420584, MedGen C4014479, MONDO:0014369, OMIM 615849.

Allele frequency attached by ClinVar (database versions not stated): ExAC 0.00002; TOPMed 0.00002.
gnomAD v4.1: 21 of 1,611,470 alleles (0.0013%); highest among the groups gnomAD compares: Non-Finnish European, 0.0017%; no homozygotes.

Submission:

Labcorp Genetics (formerly Invitae), Labcorp
Classification: Uncertain significance for Postaxial polydactyly-anterior pituitary anomalies-facial dysmorphism syndrome; Holoprosencephaly 9. Last evaluated: 2025-06-13. Review status: criteria provided, single submitter. Criteria: Invitae Variant Classification Sherloc (09022015). Collection method: clinical testing. Allele origin: germline.
Comment: This sequence change replaces glutamic acid, which is acidic and polar, with glutamine, which is neutral and polar, at codon 1414 of the GLI2 protein (p.Glu1414Gln). This variant is present in population databases (rs753359287, gnomAD 0.005%). This variant has not been reported in the literature in individuals affected with GLI2-related conditions. ClinVar contains an entry for this variant (Variation ID: 2189658). Invitae Evidence Modeling of protein sequence and biophysical properties (such as structural, functional, and spatial information, amino acid conservation, physicochemical variation, residue mobility, and thermodynamic stability) indicates that this missense variant is not expected to disrupt GLI2 protein function with a negative predictive value of 80%. In summary, the available evidence is currently insufficient to determine the role of this variant in disease. Therefore, it has been classified as a Variant of Uncertain Significance.

NM_001374353.1(GLI2):c.4189G>C (p.Glu1397Gln)

Gene: GLI2 (GLI family zinc finger 2; plus strand). Cytogenetic location: 2q14.2.
Variant type: single nucleotide variant.
Coding change: c.4189G>C on transcript NM_001374353.1 (MANE Select); coding-DNA position 4189, G replaced by C.
Protein change: p.Glu1397Gln; replaces glutamic acid 1397 with glutamine.
Molecular consequence: missense variant.
Genome position (GRCh38, 1-based): chr2:120,990,154, G>C. VCF-style: chr2-120990154-G-C. GRCh37 (hg19) VCF-style: chr2-121747730-G-C.
Other names: c.4240G>C, p.Glu1414Gln (NM_001371271.1, NM_005270.5); c.3814G>C, p.Glu1272Gln (NM_001374354.1); short protein forms E1272Q, E1414Q, E1397Q.
Identifiers: ClinVar variation 2189658 (VCV002189658.4), dbSNP rs753359287, ClinGen allele CA1852573.